The following is an entry in ClinVar:

ClinVar aggregate classification (germline): Likely benign. Review status: criteria provided, multiple submitters, no conflicts (2 of 4 stars). 6 submissions from 6 submitters: Likely benign (6). Last evaluated 2026-01-07.

Conditions:
Cardiomyopathy (CMYO). Also called: Cardiomyopathies. Identifiers: Orphanet 167848, MedGen C0878544, MONDO:0004994, HP:0001638. Inheritance: Various modes of inheritance.
Cardiovascular phenotype. Identifiers: MedGen CN230736.
Catecholaminergic polymorphic ventricular tachycardia (CVPT). Also called: Catecholamine-induced polymorphic ventricular tachycardia. Identifiers: Orphanet 3286, MedGen C5574922, MONDO:0017990.
Catecholaminergic polymorphic ventricular tachycardia 1. Also called: VENTRICULAR TACHYCARDIA, CATECHOLAMINERGIC POLYMORPHIC, 1, WITH OR WITHOUT ATRIAL DYSFUNCTION AND/OR DILATED CARDIOMYOPATHY; RYR2-Related Catecholaminergic Polymorphic Ventricular Tachycardia; VENTRICULAR TACHYCARDIA, STRESS-INDUCED POLYMORPHIC 1. Identifiers: Orphanet 3286, MedGen C1631597, MONDO:0011484, OMIM 604772.

Allele frequency attached by ClinVar (database versions not stated): gnomAD 0.00001; ExAC 0.00002; gnomAD exomes 0.00002 and 0.00004; TOPMed 0.00003.
gnomAD v4.1: 35 of 1,613,796 alleles (0.0022%); highest among the groups gnomAD compares: Admixed American, 0.0033%; no homozygotes.

Submissions (6):

Labcorp Genetics (formerly Invitae), Labcorp
Classification: Likely benign for Catecholaminergic polymorphic ventricular tachycardia 1. Last evaluated: 2026-01-07. Review status: criteria provided, single submitter. Criteria: Invitae Variant Classification Sherloc (09022015). Collection method: clinical testing. Allele origin: germline.

Women's Health and Genetics/Laboratory Corporation of America, LabCorp
Classification: Likely benign. Last evaluated: 2025-05-20. Review status: criteria provided, single submitter. Criteria: LabCorp Variant Classification Summary - May 2015. Collection method: clinical testing. Allele origin: germline.

All of Us Research Program, National Institutes of Health
Classification: Likely benign for Catecholaminergic polymorphic ventricular tachycardia. Last evaluated: 2023-10-02. Review status: criteria provided, single submitter. Criteria: ACMG Guidelines, 2015. Collection method: clinical testing. Allele origin: germline. Inheritance: Autosomal dominant inheritance. Observed: 13 variant alleles, 13 heterozygotes.
Comment: This study involves interpretation of variants in research participants for the purpose of population health screening. Participant phenotype was not available at the time of variant classification. Additional details can be found in publication PMID: 35346344, PMCID: PMC8962531

Ambry Genetics
Classification: Likely benign for Cardiovascular phenotype. Last evaluated: 2023-06-14. Review status: criteria provided, single submitter. Criteria: Ambry Variant Classification Scheme 2023. Collection method: clinical testing. Allele origin: germline.

Blueprint Genetics
Classification: Likely benign. Last evaluated: 2022-07-22. Review status: criteria provided, single submitter. Criteria: ACMG Guidelines, 2015. Collection method: clinical testing. Allele origin: germline.

Color Diagnostics, LLC DBA Color Health
Classification: Likely benign for Cardiomyopathy. Last evaluated: 2018-11-27. Review status: criteria provided, single submitter. Criteria: ACMG Guidelines, 2015. Collection method: clinical testing. Allele origin: germline.

NM_001035.3(RYR2):c.6321G>A (p.Thr2107=)

Gene: RYR2 (ryanodine receptor 2; plus strand). Cytogenetic location: 1q43.
Variant type: single nucleotide variant.
Coding change: c.6321G>A on transcript NM_001035.3 (MANE Select); coding-DNA position 6321, G replaced by A.
Protein change: p.Thr2107=; no amino-acid change (threonine 2107 retained).
Molecular consequence: synonymous variant.
Genome position (GRCh38, 1-based): chr1:237,627,961, G>A. VCF-style: chr1-237627961-G-A. GRCh37 (hg19) VCF-style: chr1-237791261-G-A.
Other names: c.6321G>A, p.Thr2107= (LRG_402t1).
Identifiers: ClinVar variation 463616 (VCV000463616.20), dbSNP rs764476121, ClinGen allele CA074825.